The following is an entry in ClinVar:

ClinVar aggregate classification (germline): Uncertain significance (1 of 4 stars; one submission).

Conditions:
Infantile-onset X-linked spinal muscular atrophy. Also called: Spinal Muscular Atrophy, X-Linked Infantile; AMC, DISTAL, X-LINKED; ARTHROGRYPOSIS, X-LINKED, TYPE I; SPINAL MUSCULAR ATROPHY, X-LINKED LETHAL INFANTILE; Spinal muscular atrophy, X-linked 2. Identifiers: Orphanet 1145, MedGen C1844934, MONDO:0010532, OMIM 301830.

gnomAD v4.1: 1 of 1,212,295 alleles (0.000082%); highest among the groups gnomAD compares: Non-Finnish European, 0.00011%; no homozygotes.

Submission:

Labcorp Genetics (formerly Invitae), Labcorp
Classification: Uncertain significance for Infantile-onset X-linked spinal muscular atrophy. Last evaluated: 2025-04-08. Review status: criteria provided, single submitter. Criteria: Invitae Variant Classification Sherloc (09022015). Collection method: clinical testing. Allele origin: germline.
Comment: This sequence change replaces valine, which is neutral and non-polar, with isoleucine, which is neutral and non-polar, at codon 77 of the UBA1 protein (p.Val77Ile). This variant is present in population databases (no rsID available, gnomAD 0.01%). This variant has not been reported in the literature in individuals affected with UBA1-related conditions. An algorithm developed to predict the effect of missense changes on protein structure and function (PolyPhen-2) suggests that this variant is likely to be tolerated. In summary, the available evidence is currently insufficient to determine the role of this variant in disease. Therefore, it has been classified as a Variant of Uncertain Significance.

NM_003334.4(UBA1):c.229G>A (p.Val77Ile)

Genes: UBA1 (ubiquitin like modifier activating enzyme 1; plus strand), LOC126863253 (CDK7 strongly-dependent group 2 enhancer GRCh37_chrX:47057593-47058792; plus strand). Cytogenetic location: Xp11.3.
Variant type: single nucleotide variant.
Coding change: c.229G>A on transcript NM_003334.4 (MANE Select); coding-DNA position 229, G replaced by A.
Protein change: p.Val77Ile; replaces valine 77 with isoleucine.
Molecular consequence: missense variant.
Genome position (GRCh38, 1-based): chrX:47,199,261, G>A. VCF-style: chrX-47199261-G-A. GRCh37 (hg19) VCF-style: chrX-47058660-G-A.
Other names: c.229G>A, p.Val77Ile (NM_001440811.1, NM_001440812.1, NM_153280.3); c.247G>A, p.Val83Ile (NM_001440810.1, NM_001440809.1); c.271G>A, p.Val91Ile (NM_001440807.1); short protein forms V83I, V77I, V91I.
Identifiers: ClinVar variation 4716581 (VCV004716581.1).